The following is an entry in ClinVar:

ClinVar aggregate classification (germline): Pathogenic (1 of 4 stars; one submission).

Conditions:
Amelocerebrohypohidrotic syndrome (KTZS). Also called: Kohlschutter's syndrome; EPILEPSY AND YELLOW TEETH; EPILEPSY, DEMENTIA, AND AMELOGENESIS IMPERFECTA; KOHLSCHUTTER SYNDROME. Identifiers: Orphanet 1946, MedGen C0406740, MONDO:0009185, OMIM 226750.

Submission:

Labcorp Genetics (formerly Invitae), Labcorp
Classification: Pathogenic for Amelocerebrohypohidrotic syndrome. Last evaluated: 2023-03-08. Review status: criteria provided, single submitter. Criteria: Invitae Variant Classification Sherloc (09022015). Collection method: clinical testing. Allele origin: germline.
Comment: This variant is a gross deletion of the genomic region encompassing exon 1 of the ROGDI gene, which includes the initiator codon. It is expected to result in an absent or disrupted protein product. Loss-of-function variants in ROGDI are known to be pathogenic (PMID: 22424600, 23086778). For these reasons, this variant has been classified as Pathogenic. Algorithms developed to predict the effect of sequence changes on RNA splicing suggest that this variant may disrupt the consensus splice site. This variant has not been reported in the literature in individuals affected with ROGDI-related conditions. This variant is not present in population databases (gnomAD no frequency).

Literature cited by the submitters: PubMed 22424600; PubMed 23086778.

NM_024589.3(ROGDI):c.-3_45+8del

Gene: ROGDI (rogdi atypical leucine zipper; minus strand). Cytogenetic location: 16p13.3.
Variant type: Deletion.
Coding change: c.-3_45+8del on transcript NM_024589.3 (MANE Select); 3 bases upstream of the start codon through 8 bases into the intron after coding-DNA position 45, 56 bases deleted.
Molecular consequence: splice donor variant, initiator codon variant.
Genome position (GRCh38, 1-based): chr16:4,802,519-4,802,574, 56 bases deleted. GRCh37 (hg19): chr16:4,852,523-4,852,578.
Identifiers: ClinVar variation 3000675 (VCV003000675.3), dbSNP rs2505736836, ClinGen allele CA2740093246.